The following is an entry in ClinVar:

ClinVar aggregate classification (germline): Likely benign. Review status: criteria provided, multiple submitters, no conflicts (2 of 4 stars). 2 submissions from 2 submitters: Likely benign (2). Last evaluated 2025-10-07.

gnomAD v4.1: 46 of 1,589,108 alleles (0.0029%); highest among the groups gnomAD compares: South Asian, 0.023%; no homozygotes.

Submissions (2):

Labcorp Genetics (formerly Invitae), Labcorp
Classification: Likely benign. Last evaluated: 2025-10-07. Review status: criteria provided, single submitter. Criteria: Invitae Variant Classification Sherloc (09022015). Collection method: clinical testing. Allele origin: germline.

CeGaT Center for Human Genetics Tuebingen
Classification: Likely benign. Last evaluated: 2022-07-01. Review status: criteria provided, single submitter. Criteria: CeGaT Center For Human Genetics Tuebingen Variant Classification Criteria Version 2. Collection method: clinical testing. Allele origin: germline. Affected: yes. Observed: 1 variant allele.
Comment: DOCK6: BP4, BP7

NM_020812.4(DOCK6):c.492C>T (p.Ser164=)

Gene: DOCK6 (dedicator of cytokinesis 6; minus strand). Cytogenetic location: 19p13.2.
Variant type: single nucleotide variant.
Coding change: c.492C>T on transcript NM_020812.4 (MANE Select); coding-DNA position 492, C replaced by T.
Protein change: p.Ser164=; no amino-acid change (serine 164 retained).
Molecular consequence: synonymous variant.
Genome position (GRCh38, 1-based): chr19:11,252,134, G>A on the plus strand (C>T on the coding strand, the complement: DOCK6 is on the minus strand). VCF-style: chr19-11252134-G-A. GRCh37 (hg19) VCF-style: chr19-11362810-G-A.
Other names: c.492C>T, p.Ser164= (NM_001367830.1).
Identifiers: ClinVar variation 2185064 (VCV002185064.28), dbSNP rs765758751, ClinGen allele CA9208474.